The following is an entry in ClinVar:

ClinVar aggregate classification (germline): Uncertain significance (1 of 4 stars; one submission).

Conditions:
Alstrom syndrome (ALMS). Identifiers: Orphanet 64, MedGen C0268425, MONDO:0008763, OMIM 203800.

gnomAD v4.1: 1 of 1,613,872 alleles (0.000062%); no homozygotes.

Submission:

Labcorp Genetics (formerly Invitae), Labcorp
Classification: Uncertain significance for Alstrom syndrome. Last evaluated: 2022-10-17. Review status: criteria provided, single submitter. Criteria: Invitae Variant Classification Sherloc (09022015). Collection method: clinical testing. Allele origin: germline.
Comment: This sequence change replaces leucine with valine at codon 3683 of the ALMS1 protein (p.Leu3683Val). The leucine residue is highly conserved and there is a small physicochemical difference between leucine and valine. In summary, the available evidence is currently insufficient to determine the role of this variant in disease. Therefore, it has been classified as a Variant of Uncertain Significance. Experimental studies and prediction algorithms are not available or were not evaluated, and the functional significance of this variant is currently unknown. ClinVar contains an entry for this variant (Variation ID: 1481777). This variant has not been reported in the literature in individuals affected with ALMS1-related conditions. This variant is not present in population databases (gnomAD no frequency).

NM_001378454.1(ALMS1):c.11044C>G (p.Leu3682Val)

Gene: ALMS1 (ALMS1 centrosome and basal body associated protein; plus strand). Cytogenetic location: 2p13.1.
Variant type: single nucleotide variant.
Coding change: c.11044C>G on transcript NM_001378454.1 (MANE Select); coding-DNA position 11044, C replaced by G.
Protein change: p.Leu3682Val; replaces leucine 3682 with valine.
Molecular consequence: missense variant.
Genome position (GRCh38, 1-based): chr2:73,572,921, C>G. VCF-style: chr2-73572921-C-G. GRCh37 (hg19) VCF-style: chr2-73800048-C-G.
Other names: c.11047C>G, p.Leu3683Val (NM_015120.4); short protein forms L3682V, L3683V.
Identifiers: ClinVar variation 1481777 (VCV001481777.6), dbSNP rs1674970712, ClinGen allele CA347287075.
Genomic context (GRCh38, chr2:73,572,921, plus strand): 5'-GAATGGAGTGGTAGACAACAGCAGAGAAATAAGCTTCAGAAAAAGAAGCGGTTTAAAAGC[C>G]TAGAGAAAAGCCATAAAAATACAGGCGAGCTTAAAAAAAGCAAGGTGCTTTCTCATCATC-3'
Protein context (NP_001365383.1, residues 3672-3692): KLQKKKRFKS[Leu3682Val]EKSHKNTGEL